The following is an entry in ClinVar:

NC_000023.10:g.(?_38160137)_(38160644_?)del

Gene: RPGR (retinitis pigmentosa GTPase regulator; minus strand). Cytogenetic location: Xp11.4.
Variant type: Deletion.
Identifiers: ClinVar variation 2422895 (VCV002422895.12).

ClinVar aggregate classification (germline): Pathogenic (1 of 4 stars; one submission).

Conditions:
Primary ciliary dyskinesia. Also called: Ciliary dyskinesia. Identifiers: Orphanet 244, MedGen C0008780, MONDO:0016575, HP:0012265.

Submission:

Labcorp Genetics (formerly Invitae), Labcorp
Classification: Pathogenic for Primary ciliary dyskinesia. Last evaluated: 2022-04-08. Review status: criteria provided, single submitter. Criteria: Invitae Variant Classification Sherloc (09022015). Collection method: clinical testing. Allele origin: germline.
Comment: This variant is a gross deletion of the genomic region encompassing exon(s) 9 of the RPGR gene. This deletion is out-of-frame, and is expected to create a premature termination codon and result in an absent or disrupted protein product. Loss-of-function variants in RPGR are known to be pathogenic (PMID: 16055928, 16969763). This variant has not been reported in the literature in individuals affected with RPGR-related conditions. For these reasons, this variant has been classified as Pathogenic.

Literature cited by the submitters: PubMed 16055928; PubMed 16969763.